The following is an entry in ClinVar:

NM_017617.5(NOTCH1):c.825C>T (p.Gly275=)

Gene: NOTCH1 (notch receptor 1; minus strand). Cytogenetic location: 9q34.3.
Variant type: single nucleotide variant.
Coding change: c.825C>T on transcript NM_017617.5 (MANE Select); coding-DNA position 825, C replaced by T.
Protein change: p.Gly275=; no amino-acid change (glycine 275 retained).
Molecular consequence: synonymous variant.
Genome position (GRCh38, 1-based): chr9:136,519,483, G>A on the plus strand (C>T on the coding strand, the complement: NOTCH1 is on the minus strand). VCF-style: chr9-136519483-G-A. GRCh37 (hg19) VCF-style: chr9-139413935-G-A.
Other names: c.825C>T, p.Gly275= (LRG_1122t1).
Identifiers: ClinVar variation 289925 (VCV000289925.23), dbSNP rs61751556, ClinGen allele CA5342030.
Genomic context (GRCh38, chr9:136,519,483, plus strand): 5'-GCGGCGACCCGTATACGCGCCTGTCCACTCTGGCGGGCAGCGGCAGTTGTAGGTGTTCAC[G>A]CCGTCCACACAGGCACCCCCGTTCTTGCAGTTGTTTCCTGGACAATCGTCGATATTTTCC-3'
Protein context (NP_060087.3, residues 265-285): NCKNGGACVD[Gly275=]VNTYNCRCPP

ClinVar aggregate classification (germline): Conflicting classifications of pathogenicity. Review status: criteria provided, conflicting classifications (1 of 4 stars). 4 submissions from 4 submitters: Uncertain significance (1); Benign (1); Likely benign (2). Last evaluated 2025-12-29.

Conditions:
Adams-Oliver syndrome 5 (AOS5). Identifiers: Orphanet 974, MedGen C4014970, MONDO:0014459, OMIM 616028.
Familial thoracic aortic aneurysm and aortic dissection (TAAD). Also called: Thoracic aortic aneurysms and dissections. Identifiers: Orphanet 91387, MedGen C4707243, MONDO:0019625.

Allele frequency attached by ClinVar (database versions not stated): gnomAD 0.00004 and 0.00007; gnomAD exomes 0.00004 and 0.00009; ExAC 0.00007; TOPMed 0.00009; 1000 Genomes Project 30x 0.00031; 1000 Genomes Project 0.00040.
gnomAD v4.1: 71 of 1,612,978 alleles (0.0044%); highest among the groups gnomAD compares: East Asian, 0.13%; no homozygotes.

Submissions (4):

Labcorp Genetics (formerly Invitae), Labcorp
Classification: Benign for Adams-Oliver syndrome 5. Last evaluated: 2025-12-29. Review status: criteria provided, single submitter. Criteria: Invitae Variant Classification Sherloc (09022015). Collection method: clinical testing. Allele origin: germline.

CeGaT Center for Human Genetics Tuebingen
Classification: Likely benign. Last evaluated: 2025-10-01. Review status: criteria provided, single submitter. Criteria: CeGaT Center For Human Genetics Tuebingen Variant Classification Criteria Version 2. Collection method: clinical testing. Allele origin: germline. Affected: yes. Observed: 1 variant allele.
Comment: NOTCH1: BP4, BP7

Ambry Genetics
Classification: Likely benign for Familial thoracic aortic aneurysm and aortic dissection. Last evaluated: 2021-12-02. Review status: criteria provided, single submitter. Criteria: Ambry Variant Classification Scheme 2023. Collection method: clinical testing. Allele origin: germline.

Eurofins Ntd Llc (ga)
Classification: Uncertain significance. Last evaluated: 2016-08-11. Review status: criteria provided, single submitter. Criteria: EGL Classification Definitions 2015. Collection method: clinical testing. Allele origin: germline. Observed: 1 variant allele, 1 heterozygote.